The following is an entry in ClinVar:

NM_003673.4(TCAP):c.316C>T (p.Arg106Cys)

Gene: TCAP (titin-cap; plus strand). Cytogenetic location: 17q12.
Variant type: single nucleotide variant.
Coding change: c.316C>T on transcript NM_003673.4 (MANE Select); coding-DNA position 316, C replaced by T.
Protein change: p.Arg106Cys; replaces arginine 106 with cysteine.
Molecular consequence: missense variant.
Genome position (GRCh38, 1-based): chr17:39,665,921, C>T. VCF-style: chr17-39665921-C-T. GRCh37 (hg19) VCF-style: chr17-37822174-C-T.
Other names: p.R106C:CGT>TGT; short protein forms R106C.
Identifiers: ClinVar variation 44706 (VCV000044706.55), dbSNP rs45578741, ClinGen allele CA274805.

ClinVar aggregate classification (germline): Benign/Likely benign. Review status: criteria provided, multiple submitters, no conflicts (2 of 4 stars). 24 submissions from 23 submitters: Benign (14); Likely benign (4). 6 of the submissions do not count toward it. Last evaluated 2026-02-04.

Conditions:
Cardiovascular phenotype. Identifiers: MedGen CN230736.
Hypertrophic cardiomyopathy 25 (CMH25). Also called: CARDIOMYOPATHY, FAMILIAL HYPERTROPHIC, 25. Identifiers: MedGen C4225408, MONDO:0011843, OMIM 607487.
Primary familial hypertrophic cardiomyopathy (HCM). Identifiers: Orphanet 99739, MedGen C0949658, MeSH D024741, MONDO:0024573. Inheritance: Various modes of inheritance.
Cardiomyopathy (CMYO). Also called: Cardiomyopathies. Identifiers: Orphanet 167848, MedGen C0878544, MONDO:0004994, HP:0001638. Inheritance: Various modes of inheritance.
Autosomal recessive limb-girdle muscular dystrophy type 2G (LGMDR7). Also called: MUSCULAR DYSTROPHY, LIMB-GIRDLE, AUTOSOMAL RECESSIVE 7; Telethoninopathy; Limb-girdle muscular dystrophy, type 2G. Identifiers: Orphanet 34514, MedGen C1866008, MONDO:0011170, OMIM 601954.
Hypertrophic cardiomyopathy. Also called: HYPERTROPHIC MYOCARDIOPATHY. Identifiers: Orphanet 217569, MedGen C0007194, MeSH D002312, MONDO:0005045, HP:0001639.

Allele frequency attached by ClinVar (database versions not stated): gnomAD 0.00813 and 0.00811; 1000 Genomes Project 30x 0.00874; 1000 Genomes Project 0.00839; ESP Exome Variant Server 0.00361; TOPMed 0.01563.

Submissions (24):

Labcorp Genetics (formerly Invitae), Labcorp
Classification: Benign for Hypertrophic cardiomyopathy 25; Primary familial hypertrophic cardiomyopathy. Last evaluated: 2026-02-04. Review status: criteria provided, single submitter. Criteria: Invitae Variant Classification Sherloc (09022015). Collection method: clinical testing. Allele origin: germline.

ARUP Laboratories, Molecular Genetics and Genomics, ARUP Laboratories
Classification: Benign. Last evaluated: 2025-07-23. Review status: criteria provided, single submitter. Criteria: ARUP Molecular Germline Variant Investigation Process 2024. Collection method: clinical testing. Allele origin: germline.

Blueprint Genetics
Classification: Benign. Last evaluated: 2024-11-27. Review status: criteria provided, single submitter. Criteria: ACMG Guidelines, 2015. Collection method: clinical testing. Allele origin: germline.

Athena Diagnostics
Classification: Benign. Last evaluated: 2024-03-05. Review status: criteria provided, single submitter. Criteria: Athena Diagnostics Criteria. Collection method: clinical testing. Allele origin: unknown.

Mayo Clinic Laboratories, Mayo Clinic
Classification: Benign. Last evaluated: 2022-08-23. Review status: criteria provided, single submitter. Criteria: ACMG Guidelines, 2015. Collection method: clinical testing. Allele origin: germline. Observed: 78 variant alleles.

Ambry Genetics
Classification: Benign for Cardiovascular phenotype. Last evaluated: 2019-05-13. Review status: criteria provided, single submitter. Criteria: Ambry Variant Classification Scheme 2023. Collection method: clinical testing. Allele origin: germline.

GeneDx
Classification: Benign. Last evaluated: 2018-11-09. Review status: criteria provided, single submitter. Criteria: GeneDx Variant Classification Process June 2021. Collection method: clinical testing. Allele origin: germline. Affected: yes.
Comment: This variant is associated with the following publications: (PMID: 24037902, 23299917, 19035361, 27535533, 30847666)

Illumina Laboratory Services, Illumina
Classification: Benign for Autosomal recessive limb-girdle muscular dystrophy type 2G. Last evaluated: 2018-03-06. Review status: criteria provided, single submitter. Criteria: ICSL Variant Classification Criteria 13 December 2019. Collection method: clinical testing. Allele origin: germline.
Comment: This variant was observed in the ICSL laboratory as part of a predisposition screen in an ostensibly healthy population. It had not been previously curated by ICSL or reported in the Human Gene Mutation Database (HGMD: prior to June 1st, 2018), and was therefore a candidate for classification through an automated scoring system. Utilizing variant allele frequency, disease prevalence and penetrance estimates, and inheritance mode, an automated score was calculated to assess if this variant is too frequent to cause the disease. Based on the score and internal cut-off values, a variant classified as benign is not then subjected to further curation. The score for this variant resulted in a classification of benign for this disease.

Illumina Laboratory Services, Illumina
Classification: Benign for Cardiomyopathy, Dilated, 1N. Last evaluated: 2018-03-06. Review status: criteria provided, single submitter. Criteria: ICSL Variant Classification Criteria 13 December 2019. Collection method: clinical testing. Allele origin: germline.
Comment: the same text as in the submission from Illumina Laboratory Services, Illumina above.

Women's Health and Genetics/Laboratory Corporation of America, LabCorp
Classification: Likely benign. Last evaluated: 2017-06-12. Review status: criteria provided, single submitter. Criteria: LabCorp Variant Classification Summary - May 2015. Collection method: clinical testing. Allele origin: germline.
Comment: Variant summary: The TCAP c.316C>T (p.Arg106Cys) variant causes a missense change involving the alteration of a conserved nucleotide. 3/3 in silico tools predict a damaging outcome for this variant (SNPsandGO not captured due to low reliability index). This variant was found in 2260/116004 control chromosomes (178 homozygotes) at a frequency of 0.0194821, which is approximately 779 times the estimated maximal expected allele frequency of a pathogenic TCAP variant (0.000025), suggesting this variant is likely a benign polymorphism. The frequency of this variant is particularly higher in Latino populations (0.1744 in ExAC and 0.1526 in GnomAD). In addition, multiple clinical diagnostic laboratories/reputable databases classified this variant as benign. This variant was reported in HCM (n=1), DCM (n=2), and familial secundum-type atrial septal defect (n=1); however, causal role of the variant in none of the patients has been established. This variant was found in 2 cases where it was co-occurring with TNNI3 c.433C>T, p.Arg145Trp (pathogenic in our internal database) (Anderson_HM_2008) and 2 cases with sudden unexpected death in infancy, both in European (Danish) population. Taken together, this could be a functional polymorphism or modifier; therefore, this variant was classified as likely benign until further co-segregation and functional studies become available.

Genetic Services Laboratory, University of Chicago
Classification: Benign. Last evaluated: 2017-04-03. Review status: criteria provided, single submitter. Criteria: ACMG Guidelines, 2015. Collection method: clinical testing. Allele origin: germline. Affected: no.

CHEO Genetics Diagnostic Laboratory, Children's Hospital of Eastern Ontario
Classification: Benign for Cardiomyopathy. Last evaluated: 2015-10-16. Review status: criteria provided, single submitter. Criteria: ACMG Guidelines, 2015. Collection method: clinical testing. Allele origin: germline. Study: Canadian Open Genetics Repository.

Laboratory for Molecular Medicine, Mass General Brigham Personalized Medicine
Classification: Benign. Last evaluated: 2015-05-18. Review status: criteria provided, single submitter. Criteria: LMM Criteria. Collection method: clinical testing. Allele origin: germline. Observed: 53 variant alleles.
Comment: p.Arg106Cys in exon 2 of TCAP: This variant is not expected to have clinical sig nificance because it has been identified in 17.4% (1953/11200) of Latino chromos omes, including 177 homozygotes, by the Exome Aggregation Consortium (ExAC; dbSNP rs45578741). Of note, this variant was initia lly described as disease-causing based on its identification in 2 Caucasian indi viduals with HCM and absence from 400 healthy controls (Perrot 2006, Andersen 20 08).

Eurofins Ntd Llc (ga)
Classification: Benign. Last evaluated: 2014-03-03. Review status: criteria provided, single submitter. Criteria: EGL Classification Definitions 2015. Collection method: clinical testing. Allele origin: germline. Observed: 9 variant alleles, 9 heterozygotes.

Biesecker Lab/Clinical Genomics Section, National Institutes of Health
Classification: Likely benign for Cardiomyopathy, hypertrophic. Last evaluated: 2013-06-24. Review status: criteria provided, single submitter. Criteria: Ng et al. (Circ Cardiovasc Genet. 2013). Collection method: research. Allele origin: unknown. Observed: 3 variant alleles. Study: ClinSeq.
Comment: The study set was not selected for affection status in relation to any cancer. Pathogenicity categories were based on literature curation. See Pubmed ID:23861362 for details.

Medical sequencing

Breakthrough Genomics
Classification: Likely benign. Review status: criteria provided, single submitter. Criteria: ACMG Guidelines, 2015. Collection method: not provided. Allele origin: germline. Inheritance: Autosomal recessive inheritance. Affected: yes.

Broad Center for Mendelian Genomics, Broad Institute of MIT and Harvard
Classification: Benign for Hypertrophic cardiomyopathy. Review status: criteria provided, single submitter. Criteria: ACMG Guidelines, 2015. Collection method: research. Allele origin: germline. Inheritance: Autosomal dominant inheritance. Affected: yes.
Comment: The heterozygous p.Arg106Cys variant in TCAP has been identified in at least 1 Danish individual with hypertrophic cardiomyopathy (PMID: 19035361). This variant is classified as benign for autosomal dominant hypertrophic cardiomyopathy because it has been identified in >17% of Latino chromosomes and 178 total homozygotes by ExAC.

PreventionGenetics, part of Exact Sciences
Classification: Likely benign. Review status: criteria provided, single submitter. Criteria: ACMG Guidelines, 2015. Collection method: clinical testing. Allele origin: germline.

Clinical Genetics DNA and cytogenetics Diagnostics Lab, Erasmus MC, Erasmus Medical Center
Classification: Likely benign. Review status: no assertion criteria provided. Collection method: clinical testing. Allele origin: germline. Affected: yes. Study: VKGL Data-share Consensus. Not counted in ClinVar's aggregate classification.

Clinical Genetics, Academic Medical Center
Classification: Benign. Review status: no assertion criteria provided. Collection method: clinical testing. Allele origin: germline. Affected: yes. Study: VKGL Data-share Consensus. Not counted in ClinVar's aggregate classification.

Diagnostic Laboratory, Department of Genetics, University Medical Center Groningen
Classification: Likely benign. Review status: no assertion criteria provided. Collection method: clinical testing. Allele origin: germline. Affected: yes. Study: VKGL Data-share Consensus. Not counted in ClinVar's aggregate classification.

Genome Diagnostics Laboratory, University Medical Center Utrecht
Classification: Likely benign. Review status: no assertion criteria provided. Collection method: clinical testing. Allele origin: germline. Affected: yes. Study: VKGL Data-share Consensus. Not counted in ClinVar's aggregate classification.

Joint Genome Diagnostic Labs from Nijmegen and Maastricht, Radboudumc and MUMC+
Classification: Benign. Review status: no assertion criteria provided. Collection method: clinical testing. Allele origin: germline. Affected: yes. Study: VKGL Data-share Consensus. Not counted in ClinVar's aggregate classification.

Laboratory of Diagnostic Genome Analysis, Leiden University Medical Center (LUMC)
Classification: Likely benign. Review status: no assertion criteria provided. Collection method: clinical testing. Allele origin: germline. Affected: yes. Study: VKGL Data-share Consensus. Not counted in ClinVar's aggregate classification.

Literature cited by the submitters: PubMed 19035361 (cited by 4 submitters); PubMed 23299917 (cited by 3 submitters); PubMed 24037902 (cited by 3 submitters); PubMed 23861362 (cited by Ambry Genetics); PubMed 26350513 (cited by Women's Health and Genetics/Laboratory Corporation of America, LabCorp); PubMed 20474083 (cited by Women's Health and Genetics/Laboratory Corporation of America, LabCorp); PubMed 22194935 (cited by Women's Health and Genetics/Laboratory Corporation of America, LabCorp).